The following is an entry in ClinVar:

ClinVar aggregate classification (germline): Pathogenic. Review status: criteria provided, multiple submitters, no conflicts (2 of 4 stars). 3 submissions from 3 submitters: Pathogenic (3). Last evaluated 2023-04-27.

Conditions:
Familial adenomatous polyposis 1 (FAP1). Also called: POLYPOSIS, ADENOMATOUS INTESTINAL; FAMILIAL ADENOMATOUS POLYPOSIS 1, ATTENUATED. Identifiers: MedGen C2713442, MONDO:0021056, OMIM 175100. Disease mechanism: loss of function.

Submissions (3):

Myriad Genetics, Inc.
Classification: Pathogenic for Familial adenomatous polyposis 1. Last evaluated: 2023-04-27. Review status: criteria provided, single submitter. Criteria: Myriad Autosomal Dominant, Autosomal Recessive and X-Linked Classification Criteria (2023). Collection method: clinical testing. Allele origin: unknown.
Comment: This variant is considered pathogenic. This variant creates a frameshift predicted to result in premature protein truncation.

Labcorp Genetics (formerly Invitae), Labcorp
Classification: Pathogenic for Familial adenomatous polyposis 1. Last evaluated: 2020-07-20. Review status: criteria provided, single submitter. Criteria: Invitae Variant Classification Sherloc (09022015). Collection method: clinical testing. Allele origin: germline.
Comment: Loss-of-function variants in APC are known to be pathogenic (PMID: 17963004, 20685668). For these reasons, this variant has been classified as Pathogenic. This variant has not been reported in the literature in individuals with APC-related conditions. This variant is not present in population databases (ExAC no frequency). This sequence change creates a premature translational stop signal (p.Ser280Hisfs*11) in the APC gene. It is expected to result in an absent or disrupted protein product.

GeneDx
Classification: Pathogenic. Last evaluated: 2019-11-04. Review status: criteria provided, single submitter. Criteria: GeneDx Variant Classification Process June 2021. Collection method: clinical testing. Allele origin: germline. Affected: yes.
Comment: Frameshift variant predicted to result in protein truncation or nonsense mediated decay in a gene for which loss-of-function is a known mechanism of disease; Not observed in large population cohorts (Lek 2016)

Literature cited by the submitters: PubMed 17963004 (cited by Labcorp Genetics (formerly Invitae), Labcorp); PubMed 20685668 (cited by Labcorp Genetics (formerly Invitae), Labcorp).

NM_000038.6(APC):c.838_844del (p.Ser280fs)

Gene: APC (APC regulator of Wnt signaling pathway; plus strand). Cytogenetic location: 5q22.2.
Variant type: Deletion.
Coding change: c.838_844del on transcript NM_000038.6 (MANE Select); coding-DNA positions 838 to 844, 7 bases deleted (TCAACTA; older notation c.838_844delTCAACTA).
Protein change: p.Ser280fs; shifts the reading frame from serine 280.
Molecular consequence: frameshift variant. On other transcripts: 5 prime UTR variant (1).
Genome position (GRCh38, 1-based): chr5:112,815,498-112,815,504, TCAACTA deleted. VCF-style (leftmost placement, unchanged base first): chr5-112815497-TTCAACTA-T. GRCh37 (hg19) VCF-style: chr5-112151194-TTCAACTA-T.
Other names: c.838_844del, p.Ser280fs (NM_001127510.3, NM_001354895.2, NM_001354896.2 and 1 more transcripts); c.784_790del, p.Ser262fs (NM_001127511.3); c.868_874del, p.Ser290fs (NM_001354897.2, NM_001354902.2); c.763_769del, p.Ser255fs (NM_001354898.2, NM_001354904.2); c.754_760del, p.Ser252fs (NM_001354899.2); c.661_667del, p.Ser221fs (NM_001354900.2, NM_001354901.2, NM_001354905.2); c.-12_-6del (NM_001354906.2); short protein forms S221fs, S252fs, S255fs, S262fs, S280fs, S290fs.
Identifiers: ClinVar variation 1072174 (VCV001072174.12), dbSNP rs2149762337, ClinGen allele CA2499217441.
Genomic context (GRCh38, chr5:112,815,497, plus strand): 5'-GTTATCTGTATTTACCTATAGTCTAAATTATACCATCTATAATGTGCTTAATTTTTAGGG[TTCAACTA>T]CACGAATGGACCATGAAACAGCCAGTGTTTTGAGTTCTAGTAGCACACACTCTGCACCTC-3'